The following is an entry in ClinVar:

ClinVar aggregate classification (germline): Uncertain significance (1 of 4 stars; one submission).

Submission:

Ambry Genetics
Classification: Uncertain significance. Last evaluated: 2024-10-15. Review status: criteria provided, single submitter. Criteria: Ambry Variant Classification Scheme 2023. Collection method: clinical testing. Allele origin: germline.
Comment: The p.W161C variant (also known as c.483G>T), located in coding exon 4 of the SRP72 gene, results from a G to T substitution at nucleotide position 483. The tryptophan at codon 161 is replaced by cysteine, an amino acid with highly dissimilar properties. This amino acid position is conserved. In addition, the in silico prediction for this alteration is inconclusive. Based on the available evidence, the clinical significance of this variant remains unclear.

NM_006947.4(SRP72):c.483G>T (p.Trp161Cys)

Gene: SRP72 (signal recognition particle 72; plus strand). Cytogenetic location: 4q12.
Variant type: single nucleotide variant.
Coding change: c.483G>T on transcript NM_006947.4 (MANE Select); coding-DNA position 483, G replaced by T.
Protein change: p.Trp161Cys; replaces tryptophan 161 with cysteine.
Molecular consequence: missense variant. On other transcripts: non-coding transcript variant (1).
Genome position (GRCh38, 1-based): chr4:56,474,182, G>T. VCF-style: chr4-56474182-G-T. GRCh37 (hg19) VCF-style: chr4-57340348-G-T.
Other names: c.483G>T, p.Trp161Cys (NM_001267722.2); short protein forms W161C.
Identifiers: ClinVar variation 3449387 (VCV003449387.1).